The following is an entry in ClinVar:

ClinVar aggregate classification (germline): Uncertain significance (1 of 4 stars; one submission).

Conditions:
Maturity-onset diabetes of the young (MODY). Also called: Maturity onset diabetes mellitus in young. Identifiers: Orphanet 552, MedGen C0342276, MONDO:0018911, HP:0004904.

Allele frequency attached by ClinVar (database versions not stated): gnomAD 0.00001.
gnomAD v4.1: 1 of 1,613,918 alleles (0.000062%); highest among the groups gnomAD compares: African/African-American, 0.0013%; no homozygotes.

Submission:

Clinical Genomics, Uppaluri K&H Personalized Medicine Clinic
Classification: Uncertain significance for Maturity-onset diabetes of the young. Review status: criteria provided, single submitter. Criteria: K & H Uppaluri Personalized Medicine Clinic Variant Classification & Assertion Criteria_Updated V.1. Collection method: research. Allele origin: somatic. Inheritance: Autosomal dominant inheritance.
Comment: Mutations in KCNJ11 gene can cause decreased production and secretion of insulin. This can lead to MODY which may be responsive to oral sulfonylureas. It is also associated with Neonatal Diabetes. However, no sufficient evidence is found to ascertain the role of this particular variant (rs1564865302) in MODY yet.

Literature cited by the submitters: PubMed 26448950; PubMed 15580558; PubMed 15718250; PubMed 32935446; PubMed 22701567.

NM_000525.4(KCNJ11):c.697C>A (p.Leu233Ile)

Gene: KCNJ11 (potassium inwardly rectifying channel subfamily J member 11; minus strand). Cytogenetic location: 11p15.1.
Variant type: single nucleotide variant.
Coding change: c.697C>A on transcript NM_000525.4 (MANE Select); coding-DNA position 697, C replaced by A.
Protein change: p.Leu233Ile; replaces leucine 233 with isoleucine.
Molecular consequence: missense variant.
Genome position (GRCh38, 1-based): chr11:17,387,395, G>T on the plus strand (C>A on the coding strand, the complement: KCNJ11 is on the minus strand). VCF-style: chr11-17387395-G-T. GRCh37 (hg19) VCF-style: chr11-17408942-G-T.
Other names: c.436C>A, p.Leu146Ile (NM_001166290.2, NM_001377296.1, NM_001377297.1); short protein forms L146I, L233I.
Identifiers: ClinVar variation 1679515 (VCV001679515.1), dbSNP rs1564865302, ClinGen allele CA379771412.